The following is an entry in ClinVar:

ClinVar aggregate classification (germline): Pathogenic. Review status: criteria provided, multiple submitters, no conflicts (2 of 4 stars). 2 submissions from 2 submitters: Pathogenic (2). Last evaluated 2023-11-15.

Conditions:
Deficiency of hydroxymethylglutaryl-CoA lyase (HMGCLD). Also called: Defect in leucine metabolism; 3-hydroxy-3-methylglutaric aciduria; HMGCL DEFICIENCY; HYDROXYMETHYLGLUTARIC ACIDURIA; HMG-CoA LYASE DEFICIENCY. Identifiers: Orphanet 20, MedGen C1533587, MONDO:0009520, OMIM 246450.

Allele frequency attached by ClinVar (database versions not stated): gnomAD exomes below 0.00001.

Submissions (2):

Baylor Genetics
Classification: Pathogenic for Deficiency of hydroxymethylglutaryl-CoA lyase. Last evaluated: 2023-11-15. Review status: criteria provided, single submitter. Criteria: ACMG Guidelines, 2015. Collection method: clinical testing. Allele origin: unknown.

Labcorp Genetics (formerly Invitae), Labcorp
Classification: Pathogenic for Deficiency of hydroxymethylglutaryl-CoA lyase. Last evaluated: 2019-08-17. Review status: criteria provided, single submitter. Criteria: Invitae Variant Classification Sherloc (09022015). Collection method: clinical testing. Allele origin: germline.
Comment: This sequence change creates a premature translational stop signal (p.Val125Aspfs*26) in the HMGCL gene. It is expected to result in an absent or disrupted protein product. For these reasons, this variant has been classified as Pathogenic. Loss-of-function variants in HMGCL are known to be pathogenic (PMID: 9817922, 17692550, 23465862). This variant has been observed to be homozygous or in combination with another HMGCL variant in individuals affected with HMG-CoA lyase deficiency (PMID: 17628222, 28583327). This variant is not present in population databases (ExAC no frequency).

Literature cited by the submitters: PubMed 9817922 (cited by Labcorp Genetics (formerly Invitae), Labcorp); PubMed 17692550 (cited by Labcorp Genetics (formerly Invitae), Labcorp); PubMed 23465862 (cited by Labcorp Genetics (formerly Invitae), Labcorp); PubMed 17628222 (cited by Labcorp Genetics (formerly Invitae), Labcorp); PubMed 28583327 (cited by Labcorp Genetics (formerly Invitae), Labcorp).

NM_000191.3(HMGCL):c.374_375del (p.Val125fs)

Gene: HMGCL (3-hydroxy-3-methylglutaryl-CoA lyase; minus strand). Cytogenetic location: 1p36.11.
Variant type: Deletion.
Coding change: c.374_375del on transcript NM_000191.3 (MANE Select); coding-DNA positions 374 to 375, 2 bases deleted (TC; older notation c.374_375delTC).
Protein change: p.Val125fs; shifts the reading frame from valine 125.
Molecular consequence: frameshift variant. On other transcripts: intron variant (1).
Genome position (GRCh38, 1-based): chr1:23,814,312-23,814,313, GA deleted on the plus strand (TC on the coding strand, the reverse complement: HMGCL is on the minus strand). VCF-style (leftmost placement, unchanged base first): chr1-23814311-TGA-T. GRCh37 (hg19) VCF-style: chr1-24140801-TGA-T.
Other names: c.348+2362_348+2363del (NM_001166059.2); short protein forms V125fs.
Identifiers: ClinVar variation 945139 (VCV000945139.9), dbSNP rs1638575413, ClinGen allele CA1139656008.